The following is an entry in ClinVar:

ClinVar aggregate classification (germline): Benign/Likely benign. Review status: criteria provided, multiple submitters, no conflicts (2 of 4 stars). 12 submissions from 12 submitters: Benign (7); Likely benign (5). Last evaluated 2026-01-27.

Conditions:
Ehlers-Danlos syndrome, classic type, 1 (EDSCL1). Also called: EHLERS-DANLOS SYNDROME, GRAVIS TYPE; EHLERS-DANLOS SYNDROME, SEVERE CLASSIC TYPE; Ehlers-Danlos syndrome, type 1; Ehlers-Danlos Syndrome, Classic Type, COL5A1-Related; EDS I. Identifiers: MedGen C0268335, MONDO:0019567, OMIM 130000.
Ehlers-Danlos syndrome (EDS). Identifiers: Orphanet 98249, MedGen C0013720, MONDO:0020066.
Familial thoracic aortic aneurysm and aortic dissection (TAAD). Also called: Thoracic aortic aneurysms and dissections. Identifiers: Orphanet 91387, MedGen C4707243, MONDO:0019625.
Ehlers-Danlos syndrome, classic type, 2 (EDSCL2). Also called: Ehlers-Danlos syndrome type 2 (formerly); Ehlers-Danlos syndrome, type 2; Ehlers-Danlos Syndrome, Classic Type, COL5A2-Related. Identifiers: Orphanet 287, Orphanet 90318, MedGen C0268336, MONDO:0019568, OMIM 130010.

Allele frequency attached by ClinVar (database versions not stated): gnomAD exomes 0.00031 and 0.00080; 1000 Genomes Project 0.00080; ExAC 0.00090; 1000 Genomes Project 30x 0.00094; gnomAD 0.00119 and 0.00130; TOPMed 0.00153; ESP Exome Variant Server 0.00154.
gnomAD v4.1: 680 of 1,609,594 alleles (0.042%); highest among the groups gnomAD compares: African/African-American, 0.3%; 3 homozygotes.

Submissions (12):

Labcorp Genetics (formerly Invitae), Labcorp
Classification: Benign for Ehlers-Danlos syndrome, classic type, 1. Last evaluated: 2026-01-27. Review status: criteria provided, single submitter. Criteria: Invitae Variant Classification Sherloc (09022015). Collection method: clinical testing. Allele origin: germline.

CeGaT Center for Human Genetics Tuebingen
Classification: Likely benign. Last evaluated: 2025-11-01. Review status: criteria provided, single submitter. Criteria: CeGaT Center For Human Genetics Tuebingen Variant Classification Criteria Version 2. Collection method: clinical testing. Allele origin: germline. Affected: yes. Observed: 1 variant allele.
Comment: COL5A2: BP4, BP7

Molecular Diagnostic Laboratory for Inherited Cardiovascular Disease, Montreal Heart Institute
Classification: Benign. Last evaluated: 2025-04-09. Review status: criteria provided, single submitter. Criteria: ACMG Guidelines, 2015. Collection method: clinical testing. Allele origin: germline. Affected: no.
Comment: BS1;BP6;BP7

Blueprint Genetics
Classification: Likely benign. Last evaluated: 2024-11-17. Review status: criteria provided, single submitter. Criteria: ACMG Guidelines, 2015. Collection method: clinical testing. Allele origin: germline.

Mayo Clinic Laboratories, Mayo Clinic
Classification: Benign. Last evaluated: 2024-06-12. Review status: criteria provided, single submitter. Criteria: ACMG Guidelines, 2015. Collection method: clinical testing. Allele origin: germline. Observed: 8 variant alleles.
Comment: BS1, BS2, BP4, BP7

Women's Health and Genetics/Laboratory Corporation of America, LabCorp
Classification: Benign. Last evaluated: 2024-05-13. Review status: criteria provided, single submitter. Criteria: LabCorp Variant Classification Summary - May 2015. Collection method: clinical testing. Allele origin: germline.

ARUP Laboratories, Molecular Genetics and Genomics, ARUP Laboratories
Classification: Benign for Ehlers-Danlos syndrome, classic type, 2. Last evaluated: 2023-08-14. Review status: criteria provided, single submitter. Criteria: ARUP Molecular Germline Variant Investigation Process 2024. Collection method: clinical testing. Allele origin: germline.

Genome Diagnostics Laboratory, The Hospital for Sick Children
Classification: Likely benign for Ehlers-Danlos syndrome. Last evaluated: 2021-02-10. Review status: criteria provided, single submitter. Criteria: ACMG Guidelines, 2015. Collection method: clinical testing. Allele origin: germline.

Illumina Laboratory Services, Illumina
Classification: Benign for Ehlers-Danlos syndrome, classic type, 2. Last evaluated: 2018-01-12. Review status: criteria provided, single submitter. Criteria: ICSL Variant Classification Criteria 13 December 2019. Collection method: clinical testing. Allele origin: germline.
Comment: This variant was observed in the ICSL laboratory as part of a predisposition screen in an ostensibly healthy population. It had not been previously curated by ICSL or reported in the Human Gene Mutation Database (HGMD: prior to June 1st, 2018), and was therefore a candidate for classification through an automated scoring system. Utilizing variant allele frequency, disease prevalence and penetrance estimates, and inheritance mode, an automated score was calculated to assess if this variant is too frequent to cause the disease. Based on the score and internal cut-off values, a variant classified as benign is not then subjected to further curation. The score for this variant resulted in a classification of benign for this disease.

Ambry Genetics
Classification: Likely benign for Familial thoracic aortic aneurysm and aortic dissection. Last evaluated: 2016-03-25. Review status: criteria provided, single submitter. Criteria: Ambry Variant Classification Scheme 2023. Collection method: clinical testing. Allele origin: germline.

GeneDx
Classification: Benign. Last evaluated: 2014-08-03. Review status: criteria provided, single submitter. Criteria: GeneDx Variant Classification (06012015). Collection method: clinical testing. Allele origin: germline. Affected: yes.
Comment: This variant is considered likely benign or benign based on one or more of the following criteria: it is a conservative change, it occurs at a poorly conserved position in the protein, it is predicted to be benign by multiple in silico algorithms, and/or has population frequency not consistent with disease.

PreventionGenetics, part of Exact Sciences
Classification: Likely benign. Review status: criteria provided, single submitter. Criteria: ACMG Guidelines, 2015. Collection method: clinical testing. Allele origin: germline.

NM_000393.5(COL5A2):c.33C>T (p.Leu11=)

Gene: COL5A2 (collagen type V alpha 2 chain; minus strand). Cytogenetic location: 2q32.2.
Variant type: single nucleotide variant.
Coding change: c.33C>T on transcript NM_000393.5 (MANE Select); coding-DNA position 33, C replaced by T.
Protein change: p.Leu11=; no amino-acid change (leucine 11 retained).
Molecular consequence: synonymous variant.
Genome position (GRCh38, 1-based): chr2:189,179,572, G>A on the plus strand (C>T on the coding strand, the complement: COL5A2 is on the minus strand). VCF-style: chr2-189179572-G-A. GRCh37 (hg19) VCF-style: chr2-190044298-G-A.
Other names: p.L11L:CTC>CTT; p.Leu11=; c.33C>T (NM_000393.4).
Identifiers: ClinVar variation 213089 (VCV000213089.36), dbSNP rs140108893, ClinGen allele CA319874.